The following is an entry in ClinVar:

NM_000090.4(COL3A1):c.691-8C>G

Gene: COL3A1 (collagen type III alpha 1 chain; plus strand). Cytogenetic location: 2q32.2.
Variant type: single nucleotide variant.
Coding change: c.691-8C>G on transcript NM_000090.4 (MANE Select); 8 bases into the intron before coding-DNA position 691, C replaced by G.
Molecular consequence: intron variant.
Genome position (GRCh38, 1-based): chr2:188,990,088, C>G. VCF-style: chr2-188990088-C-G. GRCh37 (hg19) VCF-style: chr2-189854814-C-G.
Identifiers: ClinVar variation 682269 (VCV000682269.8), dbSNP rs749433733, ClinGen allele CA076816.

ClinVar aggregate classification (germline): Likely benign. Review status: criteria provided, multiple submitters, no conflicts (2 of 4 stars). 4 submissions from 4 submitters: Likely benign (4). Last evaluated 2024-09-02.

Conditions:
Familial thoracic aortic aneurysm and aortic dissection (TAAD). Also called: Thoracic aortic aneurysms and dissections. Identifiers: Orphanet 91387, MedGen C4707243, MONDO:0019625.
Ehlers-Danlos syndrome, type 4 (EDSVASC). Also called: Ehlers-Danlos syndrome vascular type; Ehlers Danlos syndrome, ecchymotic type; Ehlers Danlos syndrome, arterial type; Ehlers Danlos syndrome, Sack-Barabas type; Ehlers-Danlos Syndrome Type IV. Identifiers: Orphanet 286, MedGen C0268338, MONDO:0017314, OMIM 130050.

Allele frequency attached by ClinVar (database versions not stated): ExAC 0.00001; gnomAD exomes 0.00001; gnomAD 0.00002; TOPMed 0.00002.
gnomAD v4.1: 8 of 1,612,992 alleles (0.0005%); highest among the groups gnomAD compares: African/African-American, 0.011%; no homozygotes.

Submissions (4):

Labcorp Genetics (formerly Invitae), Labcorp
Classification: Likely benign for Ehlers-Danlos syndrome, type 4. Last evaluated: 2024-09-02. Review status: criteria provided, single submitter. Criteria: Invitae Variant Classification Sherloc (09022015). Collection method: clinical testing. Allele origin: germline.

All of Us Research Program, National Institutes of Health
Classification: Likely benign for Ehlers-Danlos syndrome, type 4. Last evaluated: 2024-08-06. Review status: criteria provided, single submitter. Criteria: ACMG Guidelines, 2015. Collection method: clinical testing. Allele origin: germline. Inheritance: Autosomal dominant inheritance. Observed: 4 variant alleles, 4 heterozygotes.
Comment: This study involves interpretation of variants in research participants for the purpose of population health screening. Participant phenotype was not available at the time of variant classification. Additional details can be found in publication PMID: 35346344, PMCID: PMC8962531

Color Diagnostics, LLC DBA Color Health
Classification: Likely benign for Familial thoracic aortic aneurysm and aortic dissection. Last evaluated: 2018-12-03. Review status: criteria provided, single submitter. Criteria: ACMG Guidelines, 2015. Collection method: clinical testing. Allele origin: germline.

GeneDx
Classification: Likely benign. Last evaluated: 2018-04-25. Review status: criteria provided, single submitter. Criteria: GeneDx Variant Classification (06012015). Collection method: clinical testing. Allele origin: germline. Affected: yes.
Comment: This variant is considered likely benign or benign based on one or more of the following criteria: it is a conservative change, it occurs at a poorly conserved position in the protein, it is predicted to be benign by multiple in silico algorithms, and/or has population frequency not consistent with disease.